The following is an entry in ClinVar:

NM_018297.4(NGLY1):c.494T>G (p.Val165Gly)

Gene: NGLY1 (N-glycanase 1; minus strand). Cytogenetic location: 3p24.2.
Variant type: single nucleotide variant.
Coding change: c.494T>G on transcript NM_018297.4 (MANE Select); coding-DNA position 494, T replaced by G.
Protein change: p.Val165Gly; replaces valine 165 with glycine.
Molecular consequence: missense variant.
Genome position (GRCh38, 1-based): chr3:25,751,262, A>C on the plus strand (T>G on the coding strand, the complement: NGLY1 is on the minus strand). VCF-style: chr3-25751262-A-C. GRCh37 (hg19) VCF-style: chr3-25792753-A-C.
Other names: c.494T>G, p.Val165Gly (NM_001145293.2, NM_001145295.2); c.368T>G, p.Val123Gly (NM_001145294.2); short protein forms V165G, V123G.
Identifiers: ClinVar variation 1039499 (VCV001039499.5), dbSNP rs1706734836, ClinGen allele CA351906521.

ClinVar aggregate classification (germline): Uncertain significance (1 of 4 stars; one submission).

Conditions:
Congenital disorder of deglycosylation (CDDG). Identifiers: MedGen C3808991, MONDO:0031376.

Submission:

Labcorp Genetics (formerly Invitae), Labcorp
Classification: Uncertain significance for Congenital disorder of deglycosylation. Last evaluated: 2023-11-27. Review status: criteria provided, single submitter. Criteria: Invitae Variant Classification Sherloc (09022015). Collection method: clinical testing. Allele origin: germline.
Comment: This sequence change replaces valine, which is neutral and non-polar, with glycine, which is neutral and non-polar, at codon 165 of the NGLY1 protein (p.Val165Gly). This variant is not present in population databases (gnomAD no frequency). This variant has not been reported in the literature in individuals affected with NGLY1-related conditions. ClinVar contains an entry for this variant (Variation ID: 1039499). An algorithm developed to predict the effect of missense changes on protein structure and function (PolyPhen-2) suggests that this variant is likely to be tolerated. In summary, the available evidence is currently insufficient to determine the role of this variant in disease. Therefore, it has been classified as a Variant of Uncertain Significance.